The following is an entry in ClinVar:

ClinVar aggregate classification (germline): Uncertain significance (1 of 4 stars; one submission).

Submission:

Ambry Genetics
Classification: Uncertain significance. Last evaluated: 2026-04-09. Review status: criteria provided, single submitter. Criteria: Ambry Variant Classification Scheme 2023. Collection method: clinical testing. Allele origin: germline.
Comment: The p.E72A variant (also known as c.215A>C), located in coding exon 1 of the CDK12 gene, results from an A to C substitution at nucleotide position 215. The glutamic acid at codon 72 is replaced by alanine, an amino acid with dissimilar properties. This amino acid position is conserved. In addition, this alteration is predicted to be tolerated by in silico analysis. Based on the available evidence, the clinical significance of this variant remains unclear.

NM_016507.4(CDK12):c.215A>C (p.Glu72Ala)

Genes: CDK12 (cyclin dependent kinase 12; plus strand), LOC126862553 (CDK7 strongly-dependent group 2 enhancer GRCh37_chr17:37618166-37619365; plus strand). Cytogenetic location: 17q12.
Variant type: single nucleotide variant.
Coding change: c.215A>C on transcript NM_016507.4 (MANE Select); coding-DNA position 215, A replaced by C.
Protein change: p.Glu72Ala; replaces glutamic acid 72 with alanine.
Molecular consequence: missense variant.
Genome position (GRCh38, 1-based): chr17:39,462,286, A>C. VCF-style: chr17-39462286-A-C. GRCh37 (hg19) VCF-style: chr17-37618539-A-C.
Other names: c.215A>C, p.Glu72Ala (NM_015083.4); short protein forms E72A.
Identifiers: ClinVar variation 4868480 (VCV004868480.1).